The following is an entry in ClinVar:

ClinVar aggregate classification (germline): Uncertain significance (1 of 4 stars; one submission).

gnomAD v4.1: 3 of 1,614,110 alleles (0.00019%); highest among the groups gnomAD compares: Admixed American, 0.005%; no homozygotes.

Submission:

Ambry Genetics
Classification: Uncertain significance. Last evaluated: 2025-08-09. Review status: criteria provided, single submitter. Criteria: Ambry Variant Classification Scheme 2023. Collection method: clinical testing. Allele origin: germline.
Comment: The p.A1141T variant (also known as c.3421G>A), located in coding exon 28 of the A2ML1 gene, results from a G to A substitution at nucleotide position 3421. The alanine at codon 1141 is replaced by threonine, an amino acid with similar properties. This amino acid position is conserved. In addition, this alteration is predicted to be tolerated by in silico analysis. Based on the available evidence, the clinical significance of this variant remains unclear.

NM_144670.6(A2ML1):c.3421G>A (p.Ala1141Thr)

Gene: A2ML1 (alpha-2-macroglobulin like 1; plus strand). Cytogenetic location: 12p13.31.
Variant type: single nucleotide variant.
Coding change: c.3421G>A on transcript NM_144670.6 (MANE Select); coding-DNA position 3421, G replaced by A.
Protein change: p.Ala1141Thr; replaces alanine 1141 with threonine.
Molecular consequence: missense variant.
Genome position (GRCh38, 1-based): chr12:8,861,216, G>A. VCF-style: chr12-8861216-G-A. GRCh37 (hg19) VCF-style: chr12-9013812-G-A.
Other names: c.1948G>A, p.Ala650Thr (NM_001282424.3); short protein forms A1141T, A650T.
Identifiers: ClinVar variation 4259058 (VCV004259058.1).